The following is an entry in ClinVar:

NM_016151.4(TAOK2):c.274C>T (p.Arg92Trp)

Gene: TAOK2 (TAO kinase 2; plus strand). Cytogenetic location: 16p11.2.
Variant type: single nucleotide variant.
Coding change: c.274C>T on transcript NM_016151.4 (MANE Select); coding-DNA position 274, C replaced by T.
Protein change: p.Arg92Trp; replaces arginine 92 with tryptophan.
Molecular consequence: missense variant.
Genome position (GRCh38, 1-based): chr16:29,978,321, C>T. VCF-style: chr16-29978321-C-T. GRCh37 (hg19) VCF-style: chr16-29989642-C-T.
Other names: c.274C>T, p.Arg92Trp (NM_001252043.2, NM_004783.4); short protein forms R92W.
Identifiers: ClinVar variation 2786055 (VCV002786055.3), dbSNP rs754637836, ClinGen allele CA7997757.
Genomic context (GRCh38, chr16:29,978,321, plus strand): 5'-GACATCATCAAGGAGGTGCGGTTCTTACAGAAGCTCCGGCATCCCAACACCATTCAGTAC[C>T]GGGGCTGTTACCTGAGGGAGCACACGGCTTGGGTGAGCTGGTGCCAGATTCTGGCCTGAT-3'
Protein context (NP_057235.2, residues 82-102): KLRHPNTIQY[Arg92Trp]GCYLREHTAW

ClinVar aggregate classification (germline): Uncertain significance (1 of 4 stars; one submission).

Allele frequency attached by ClinVar (database versions not stated): ExAC 0.00001; TOPMed 0.00001.

Submission:

Labcorp Genetics (formerly Invitae), Labcorp
Classification: Uncertain significance. Last evaluated: 2023-10-04. Review status: criteria provided, single submitter. Criteria: Invitae Variant Classification Sherloc (09022015). Collection method: clinical testing. Allele origin: germline.
Comment: This sequence change replaces arginine, which is basic and polar, with tryptophan, which is neutral and slightly polar, at codon 92 of the TAOK2 protein (p.Arg92Trp). This variant is not present in population databases (gnomAD no frequency). This variant has not been reported in the literature in individuals affected with TAOK2-related conditions. An algorithm developed to predict the effect of missense changes on protein structure and function (PolyPhen-2) suggests that this variant is likely to be disruptive. In summary, the available evidence is currently insufficient to determine the role of this variant in disease. Therefore, it has been classified as a Variant of Uncertain Significance.